The following is an entry in ClinVar:

NM_182961.4(SYNE1):c.9407C>G (p.Thr3136Ser)

Gene: SYNE1 (spectrin repeat containing nuclear envelope protein 1; minus strand). Cytogenetic location: 6q25.2.
Variant type: single nucleotide variant.
Coding change: c.9407C>G on transcript NM_182961.4 (MANE Select); coding-DNA position 9407, C replaced by G.
Protein change: p.Thr3136Ser; replaces threonine 3136 with serine.
Molecular consequence: missense variant.
Genome position (GRCh38, 1-based): chr6:152,373,137, G>C on the plus strand (C>G on the coding strand, the complement: SYNE1 is on the minus strand). VCF-style: chr6-152373137-G-C. GRCh37 (hg19) VCF-style: chr6-152694272-G-C.
Other names: c.9428C>G, p.Thr3143Ser (NM_033071.5); short protein forms T3136S, T3143S.
Identifiers: ClinVar variation 2436648 (VCV002436648.25), dbSNP rs766460713, ClinGen allele CA4057328.

ClinVar aggregate classification (germline): Uncertain significance. Review status: criteria provided, multiple submitters, no conflicts (2 of 4 stars). 2 submissions from 2 submitters: Uncertain significance (2). Last evaluated 2024-02-01.

Allele frequency attached by ClinVar (database versions not stated): TOPMed below 0.00001; ExAC 0.00001.
gnomAD v4.1: 19 of 1,613,952 alleles (0.0012%); highest among the groups gnomAD compares: Non-Finnish European, 0.0015%; no homozygotes.

Submissions (2):

CeGaT Center for Human Genetics Tuebingen
Classification: Uncertain significance. Last evaluated: 2024-02-01. Review status: criteria provided, single submitter. Criteria: CeGaT Center For Human Genetics Tuebingen Variant Classification Criteria Version 2. Collection method: clinical testing. Allele origin: germline. Affected: yes. Observed: 1 variant allele.
Comment: SYNE1: PM2:Supporting, BP4

Revvity Omics, Revvity
Classification: Uncertain significance. Last evaluated: 2020-06-26. Review status: criteria provided, single submitter. Criteria: ACMG Guidelines, 2015. Collection method: clinical testing. Allele origin: germline.